The following is an entry in ClinVar:

ClinVar aggregate classification (germline): Uncertain significance (1 of 4 stars; one submission).

Allele frequency attached by ClinVar (database versions not stated): gnomAD exomes below 0.00001; gnomAD 0.00002; TOPMed 0.00002.
gnomAD v4.1: 5 of 1,613,536 alleles (0.00031%); highest among the groups gnomAD compares: Admixed American, 0.0083%; no homozygotes.

Submission:

Labcorp Genetics (formerly Invitae), Labcorp
Classification: Uncertain significance. Last evaluated: 2025-09-19. Review status: criteria provided, single submitter. Criteria: Invitae Variant Classification Sherloc (09022015). Collection method: clinical testing. Allele origin: germline.
Comment: This sequence change replaces valine, which is neutral and non-polar, with phenylalanine, which is neutral and non-polar, at codon 693 of the IL6ST protein (p.Val693Phe). This variant is not present in population databases (gnomAD no frequency). This variant has not been reported in the literature in individuals affected with IL6ST-related conditions. ClinVar contains an entry for this variant (Variation ID: 2174609). An algorithm developed to predict the effect of missense changes on protein structure and function (PolyPhen-2) suggests that this variant is likely to be disruptive. In summary, the available evidence is currently insufficient to determine the role of this variant in disease. Therefore, it has been classified as a Variant of Uncertain Significance.

NM_002184.4(IL6ST):c.2077G>T (p.Val693Phe)

Gene: IL6ST (interleukin 6 cytokine family signal transducer; minus strand). Cytogenetic location: 5q11.2.
Variant type: single nucleotide variant.
Coding change: c.2077G>T on transcript NM_002184.4 (MANE Select); coding-DNA position 2077, G replaced by T.
Protein change: p.Val693Phe; replaces valine 693 with phenylalanine.
Molecular consequence: missense variant. On other transcripts: 3 prime UTR variant (1), non-coding transcript variant (2).
Genome position (GRCh38, 1-based): chr5:55,941,762, C>A on the plus strand (G>T on the coding strand, the complement: IL6ST is on the minus strand). VCF-style: chr5-55941762-C-A. GRCh37 (hg19) VCF-style: chr5-55237590-C-A.
Other names: c.1894G>T, p.Val632Phe (NM_001190981.2); c.1975G>T, p.Val659Phe (NM_001364275.2); c.1867G>T, p.Val623Phe (NM_001364276.2); c.1210G>T, p.Val404Phe (NM_001364277.2); c.1174G>T, p.Val392Phe (NM_001364278.2); c.1081G>T, p.Val361Phe (NM_001364279.2); c.*1004G>T (NM_175767.3); short protein forms V392F, V659F, V404F, V361F, V623F, V632F, V693F.
Identifiers: ClinVar variation 2174609 (VCV002174609.4), dbSNP rs1205716279, ClinGen allele CA359780000.